The following is an entry in ClinVar:

NM_015687.5(FILIP1):c.3615C>T (p.Thr1205=)

Gene: FILIP1 (filamin A interacting protein 1; minus strand). Cytogenetic location: 6q14.1.
Variant type: single nucleotide variant.
Coding change: c.3615C>T on transcript NM_015687.5 (MANE Select); coding-DNA position 3615, C replaced by T.
Protein change: p.Thr1205=; no amino-acid change (threonine 1205 retained).
Molecular consequence: synonymous variant. On other transcripts: intron variant (1).
Genome position (GRCh38, 1-based): chr6:75,308,718, G>A on the plus strand (C>T on the coding strand, the complement: FILIP1 is on the minus strand). VCF-style: chr6-75308718-G-A. GRCh37 (hg19) VCF-style: chr6-76018434-G-A.
Other names: c.3624C>T, p.Thr1208= (NM_001289987.3); c.3493+122C>T (NM_001300866.3).
Identifiers: ClinVar variation 4822024 (VCV004822024.4).

ClinVar aggregate classification (germline): Likely benign (1 of 4 stars; one submission).

gnomAD v4.1: 27 of 1,613,234 alleles (0.0017%); highest among the groups gnomAD compares: Admixed American, 0.03%; no homozygotes.

Submission:

CeGaT Center for Human Genetics Tuebingen
Classification: Likely benign. Last evaluated: 2026-07-01. Review status: criteria provided, single submitter. Criteria: CeGaT Center For Human Genetics Tuebingen Variant Classification Criteria Version 2. Collection method: clinical testing. Allele origin: germline. Affected: yes. Observed: 2 variant alleles.
Comment: FILIP1: BP4, BP7